The following is an entry in ClinVar:

ClinVar aggregate classification (germline): Conflicting classifications of pathogenicity. Review status: criteria provided, conflicting classifications (1 of 4 stars). 4 submissions from 4 submitters: Uncertain significance (3); Likely benign (1). Last evaluated 2025-12-16.

Conditions:
Familial cold autoinflammatory syndrome 3 (FCAS3). Also called: FAMILIAL ATYPICAL COLD URTICARIA; ANTIBODY DEFICIENCY AND IMMUNE DYSREGULATION, PLCG2-ASSOCIATED. Identifiers: Orphanet 300359, MedGen C3280914, MONDO:0013766, OMIM 614468.
Inborn genetic diseases. Identifiers: MedGen C0950123, MeSH D030342.
PLCG2-related disorder. Also called: PLCG2-related condition.

Allele frequency attached by ClinVar (database versions not stated): gnomAD 0.00004; TOPMed 0.00009; ExAC 0.00010; gnomAD exomes 0.00010; 1000 Genomes Project 30x 0.00016; 1000 Genomes Project 0.00020.
gnomAD v4.1: 42 of 1,614,104 alleles (0.0026%); highest among the groups gnomAD compares: Admixed American, 0.038%; no homozygotes.

Submissions (4):

Labcorp Genetics (formerly Invitae), Labcorp
Classification: Uncertain significance for Familial cold autoinflammatory syndrome 3. Last evaluated: 2025-12-16. Review status: criteria provided, single submitter. Criteria: Invitae Variant Classification Sherloc (09022015). Collection method: clinical testing. Allele origin: germline.
Comment: This sequence change replaces arginine, which is basic and polar, with glutamine, which is neutral and polar, at codon 700 of the PLCG2 protein (p.Arg700Gln). The frequency data for this variant in the population databases is considered unreliable, as metrics indicate poor data quality at this position in the gnomAD database. This missense change has been observed in individual(s) with clinical features of PLCG2-related conditions (PMID: 37769878). ClinVar contains an entry for this variant (Variation ID: 645934). An algorithm developed to predict the effect of missense changes on protein structure and function (PolyPhen-2) suggests that this variant is likely to be tolerated. Experimental studies have shown that this missense change affects PLCG2 function (PMID: 37769878). In summary, the available evidence is currently insufficient to determine the role of this variant in disease. Therefore, it has been classified as a Variant of Uncertain Significance.

Blueprint Genetics
Classification: Likely benign. Last evaluated: 2024-07-09. Review status: criteria provided, single submitter. Criteria: ACMG Guidelines, 2015. Collection method: clinical testing. Allele origin: germline.

Ambry Genetics
Classification: Uncertain significance for Inborn genetic diseases. Last evaluated: 2023-10-17. Review status: criteria provided, single submitter. Criteria: Ambry Variant Classification Scheme 2023. Collection method: clinical testing. Allele origin: germline.

PreventionGenetics, part of Exact Sciences
Classification: Uncertain significance for PLCG2-related condition. Last evaluated: 2023-07-24. Review status: criteria provided, single submitter. Criteria: ACMG Guidelines, 2015. Collection method: clinical testing. Allele origin: germline.
Comment: The PLCG2 c.2099G>A variant is predicted to result in the amino acid substitution p.Arg700Gln. To our knowledge, this variant has not been reported in the literature. This variant is reported in 0.062% of alleles in individuals of Latino descent in gnomAD, which may be too common to be causative of disease. Although we suspect that this variant may be benign, at this time, the clinical significance of this variant is uncertain due to the absence of conclusive functional and genetic evidence.

Literature cited by the submitters: PubMed 37769878 (cited by Labcorp Genetics (formerly Invitae), Labcorp).

NM_002661.5(PLCG2):c.2099G>A (p.Arg700Gln)

Gene: PLCG2 (phospholipase C gamma 2; plus strand). Cytogenetic location: 16q23.3.
Variant type: single nucleotide variant.
Coding change: c.2099G>A on transcript NM_002661.5 (MANE Select); coding-DNA position 2099, G replaced by A.
Protein change: p.Arg700Gln; replaces arginine 700 with glutamine.
Molecular consequence: missense variant.
Genome position (GRCh38, 1-based): chr16:81,919,528, G>A. VCF-style: chr16-81919528-G-A. GRCh37 (hg19) VCF-style: chr16-81953133-G-A.
Other names: c.2099G>A (NM_002661.3); short protein forms R700Q.
Identifiers: ClinVar variation 645934 (VCV000645934.13), dbSNP rs566611968, ClinGen allele CA8194091.